The following is an entry in ClinVar:

NM_000156.6(GAMT):c.144del (p.Tyr49fs)

Genes: GAMT (guanidinoacetate N-methyltransferase; minus strand), LOC130062945 (ATAC-STARR-seq lymphoblastoid silent region 9707; plus strand). Cytogenetic location: 19p13.3.
Variant type: Deletion.
Coding change: c.144del on transcript NM_000156.6 (MANE Select); coding-DNA position 144, one base deleted (C; older notation c.144delC).
Protein change: p.Tyr49fs; shifts the reading frame from tyrosine 49.
Molecular consequence: frameshift variant.
Genome position (GRCh38, 1-based): chr19:1,401,333, G deleted on the plus strand (C on the coding strand, the reverse complement: GAMT is on the minus strand); the first of 5 consecutive G bases (chr19:1,401,333-1,401,337); deleting any one gives the same sequence. VCF-style (leftmost placement, unchanged base first): chr19-1401332-AG-A. GRCh37 (hg19) VCF-style: chr19-1401331-AG-A.
Other names: c.144del, p.Tyr49fs (NM_138924.3); short protein forms Y49fs.
Identifiers: ClinVar variation 2844623 (VCV002844623.3), dbSNP rs2082632611, ClinGen allele CA2582641916.

ClinVar aggregate classification (germline): Pathogenic (1 of 4 stars; one submission).

Conditions:
Cerebral creatine deficiency syndrome. Also called: Creatine deficiency syndromes. Identifiers: Orphanet 79172, MedGen C5244016, MONDO:0000456.

Submission:

Labcorp Genetics (formerly Invitae), Labcorp
Classification: Pathogenic for Cerebral creatine deficiency syndrome. Last evaluated: 2023-04-12. Review status: criteria provided, single submitter. Criteria: Invitae Variant Classification Sherloc (09022015). Collection method: clinical testing. Allele origin: germline.
Comment: For these reasons, this variant has been classified as Pathogenic. This premature translational stop signal has been observed in individual(s) with cerebral creatine deficiency syndrome (PMID: 21440503). This variant is not present in population databases (gnomAD no frequency). This sequence change creates a premature translational stop signal (p.Tyr49Ilefs*65) in the GAMT gene. It is expected to result in an absent or disrupted protein product. Loss-of-function variants in GAMT are known to be pathogenic (PMID: 15108290).

Literature cited by the submitters: PubMed 21440503; PubMed 15108290.